The following is an entry in ClinVar:

ClinVar aggregate classification (germline): Uncertain significance (1 of 4 stars; one submission).

Conditions:
Atrioventricular septal defect 4 (AVSD4). Identifiers: MedGen C3280781, MONDO:0013747, OMIM 614430.

Allele frequency attached by ClinVar (database versions not stated): gnomAD exomes 0.00001; TOPMed 0.00001; gnomAD 0.00002.
gnomAD v4.1: 6 of 1,614,150 alleles (0.00037%); highest among the groups gnomAD compares: Non-Finnish European, 0.00051%; no homozygotes.

Submission:

Labcorp Genetics (formerly Invitae), Labcorp
Classification: Uncertain significance for Atrioventricular septal defect 4. Last evaluated: 2025-08-17. Review status: criteria provided, single submitter. Criteria: Invitae Variant Classification Sherloc (09022015). Collection method: clinical testing. Allele origin: germline.
Comment: This sequence change replaces proline, which is neutral and non-polar, with serine, which is neutral and polar, at codon 342 of the GATA4 protein (p.Pro342Ser). This variant is not present in population databases (gnomAD no frequency). This variant has not been reported in the literature in individuals affected with GATA4-related conditions. ClinVar contains an entry for this variant (Variation ID: 2715722). Invitae Evidence Modeling of protein sequence and biophysical properties (such as structural, functional, and spatial information, amino acid conservation, physicochemical variation, residue mobility, and thermodynamic stability) indicates that this missense variant is not expected to disrupt GATA4 protein function with a negative predictive value of 95%. In summary, the available evidence is currently insufficient to determine the role of this variant in disease. Therefore, it has been classified as a Variant of Uncertain Significance.

NM_001308093.3(GATA4):c.1027C>T (p.Pro343Ser)

Gene: GATA4 (GATA binding protein 4). Cytogenetic location: 8p23.1.
Variant type: single nucleotide variant.
Coding change: c.1027C>T on transcript NM_001308093.3 (MANE Select); coding-DNA position 1027, C replaced by T.
Protein change: p.Pro343Ser; replaces proline 343 with serine.
Molecular consequence: missense variant.
Genome position (GRCh38, 1-based): chr8:11,756,961, C>T. VCF-style: chr8-11756961-C-T. GRCh37 (hg19) VCF-style: chr8-11614470-C-T.
Other names: c.406C>T, p.Pro136Ser (NM_001308094.2, NM_001374273.1); c.280C>T, p.Pro94Ser (NM_001374274.1); c.1024C>T, p.Pro342Ser (NM_002052.5); short protein forms P136S, P342S, P94S, P343S.
Identifiers: ClinVar variation 2715722 (VCV002715722.3), dbSNP rs1050759982, ClinGen allele CA172120334.